The following is an entry in ClinVar:

NM_017780.4(CHD7):c.4186-2A>G

Gene: CHD7 (chromodomain helicase DNA binding protein 7; plus strand). Cytogenetic location: 8q12.2.
Variant type: single nucleotide variant.
Coding change: c.4186-2A>G on transcript NM_017780.4 (MANE Select); the canonical splice acceptor site of the intron before coding-DNA position 4186, A replaced by G.
Molecular consequence: splice acceptor variant. On other transcripts: intron variant (1).
Genome position (GRCh38, 1-based): chr8:60,837,666, A>G. VCF-style: chr8-60837666-A-G. GRCh37 (hg19) VCF-style: chr8-61750225-A-G.
Other names: c.1717-24563A>G (NM_001316690.1).
Identifiers: ClinVar variation 3601838 (VCV003601838.2).

ClinVar aggregate classification (germline): Pathogenic. Review status: criteria provided, multiple submitters, no conflicts (2 of 4 stars). 2 submissions from 2 submitters: Pathogenic (2). Last evaluated 2025-10-05.

Conditions:
Isolated anophthalmia-microphthalmia syndrome. Identifiers: Orphanet 2542, MedGen C5679828, MONDO:0016764.
CHARGE syndrome (CHARGE). Also called: Hittner Hirsch Kreh syndrome; CHARGE ASSOCIATION--COLOBOMA, HEART ANOMALY, CHOANAL ATRESIA, RETARDATION, GENITAL AND EAR ANOMALIES; Coloboma, heart anomaly, choanal atresia, retardation, genital and ear anomalies; CHARGE association; Hall-Hittner syndrome. Identifiers: Orphanet 138, MedGen C0265354, MONDO:0008965.

Submissions (2):

Genetics Department, University Hospital of Toulouse
Classification: Pathogenic for Isolated anophthalmia-microphthalmia syndrome. Last evaluated: 2025-10-05. Review status: criteria provided, single submitter. Criteria: ACMG Guidelines, 2015. Collection method: clinical testing. Allele origin: de novo. Affected: yes. Observed: 1 variant allele.
Comment: The NM_017780.4:c.4186-2A>G variant is predicted to induce skipping of exon 18 of CHD7. It is absent from gnomAD (v4.1) and the literature. It was previsouly reported as pathogenic in clinvar in an individual with CHARGE syndrome. It is classified as P: PVS1, PS2, PM2.

Institute of Rare Diseases, West China Hospital, Sichuan University
Classification: Pathogenic for CHD7-related CHARGE syndrome. Last evaluated: 2025-01-09. Review status: criteria provided, single submitter. Criteria: ClinGen HL ACMG Specifications v1. Collection method: research. Allele origin: germline. Affected: yes.
Comment: PVS1;PS2;PM2_Supporting